The following is an entry in ClinVar:

NM_000642.3(AGL):c.3589-19C>T

Gene: AGL (amylo-alpha-1,6-glucosidase and 4-alpha-glucanotransferase; plus strand). Cytogenetic location: 1p21.2.
Variant type: single nucleotide variant.
Coding change: c.3589-19C>T on transcript NM_000642.3 (MANE Select); 19 bases into the intron before coding-DNA position 3589, C replaced by T.
Molecular consequence: intron variant.
Genome position (GRCh38, 1-based): chr1:99,902,664, C>T. VCF-style: chr1-99902664-C-T. GRCh37 (hg19) VCF-style: chr1-100368220-C-T.
Other names: c.3589-19C>T (NM_000643.3, NM_000644.3, NM_001425325.1 and 1 more transcripts); c.3541-19C>T (NM_000646.3); c.3568-19C>T (NM_001425326.1); c.3388-19C>T (NM_001425327.1); c.3385-19C>T (NM_001425328.1); c.3250-19C>T (NM_001425329.1); c.3211-19C>T (NM_001425332.1).
Identifiers: ClinVar variation 382407 (VCV000382407.12), dbSNP rs368244330, ClinGen allele CA967152.

ClinVar aggregate classification (germline): Likely benign. Review status: criteria provided, multiple submitters, no conflicts (2 of 4 stars). 4 submissions from 4 submitters: Likely benign (4). Last evaluated 2026-01-27.

Conditions:
Glycogen storage disease type III (GSD3). Also called: FORBES DISEASE; Cori disease. Identifiers: Orphanet 366, MedGen C0017922, MONDO:0009291, OMIM 232400.

Allele frequency attached by ClinVar (database versions not stated): ExAC 0.00017; gnomAD exomes 0.00017 and 0.00022; gnomAD 0.00023 and 0.00034; ESP Exome Variant Server 0.00031; TOPMed 0.00032.
gnomAD v4.1: 358 of 1,564,632 alleles (0.023%); highest among the groups gnomAD compares: Non-Finnish European, 0.024%; no homozygotes.

Submissions (4):

Labcorp Genetics (formerly Invitae), Labcorp
Classification: Likely benign for Glycogen storage disease type III. Last evaluated: 2026-01-27. Review status: criteria provided, single submitter. Criteria: Invitae Variant Classification Sherloc (09022015). Collection method: clinical testing. Allele origin: germline.

Blueprint Genetics
Classification: Likely benign. Last evaluated: 2024-05-15. Review status: criteria provided, single submitter. Criteria: ACMG Guidelines, 2015. Collection method: clinical testing. Allele origin: germline.

Genome-Nilou Lab
Classification: Likely benign for Glycogen storage disease type III. Last evaluated: 2023-04-11. Review status: criteria provided, single submitter. Criteria: ACMG Guidelines, 2015. Collection method: clinical testing. Allele origin: germline. Affected: no.

GeneDx
Classification: Likely benign. Last evaluated: 2016-02-10. Review status: criteria provided, single submitter. Criteria: GeneDx Variant Classification (06012015). Collection method: clinical testing. Allele origin: germline. Affected: yes.
Comment: This variant is considered likely benign or benign based on one or more of the following criteria: it is a conservative change, it occurs at a poorly conserved position in the protein, it is predicted to be benign by multiple in silico algorithms, and/or has population frequency not consistent with disease.